The following is an entry in ClinVar:

NM_004519.4(KCNQ3):c.275C>G (p.Pro92Arg)

Gene: KCNQ3 (potassium voltage-gated channel subfamily Q member 3; minus strand). Cytogenetic location: 8q24.22.
Variant type: single nucleotide variant.
Coding change: c.275C>G on transcript NM_004519.4 (MANE Select); coding-DNA position 275, C replaced by G.
Protein change: p.Pro92Arg; replaces proline 92 with arginine.
Molecular consequence: missense variant.
Genome position (GRCh38, 1-based): chr8:132,480,258, G>C on the plus strand (C>G on the coding strand, the complement: KCNQ3 is on the minus strand). VCF-style: chr8-132480258-G-C. GRCh37 (hg19) VCF-style: chr8-133492505-G-C.
Other names: short protein forms P92R.
Identifiers: ClinVar variation 2097398 (VCV002097398.4), dbSNP rs1328966824, ClinGen allele CA372292550.

ClinVar aggregate classification (germline): Uncertain significance (1 of 4 stars; one submission).

Conditions:
Benign neonatal seizures. Also called: Convulsions benign familial neonatal dominant form; Autosomal dominant form of benign neonatal seizures; Benign neonatal familial convulsions; Benign familial neonatal epilepsy; Benign familial neonatal seizures. Identifiers: Orphanet 1949, MedGen C0220669, MONDO:0016027.

Allele frequency attached by ClinVar (database versions not stated): gnomAD exomes below 0.00001; TOPMed below 0.00001; gnomAD 0.00001.
gnomAD v4.1: 3 of 1,612,568 alleles (0.00019%); highest among the groups gnomAD compares: Non-Finnish European, 0.00025%; no homozygotes.

Submission:

Labcorp Genetics (formerly Invitae), Labcorp
Classification: Uncertain significance for Benign neonatal seizures. Last evaluated: 2022-08-02. Review status: criteria provided, single submitter. Criteria: Invitae Variant Classification Sherloc (09022015). Collection method: clinical testing. Allele origin: germline.
Comment: In summary, the available evidence is currently insufficient to determine the role of this variant in disease. Therefore, it has been classified as a Variant of Uncertain Significance. Advanced modeling of protein sequence and biophysical properties (such as structural, functional, and spatial information, amino acid conservation, physicochemical variation, residue mobility, and thermodynamic stability) performed at Invitae indicates that this missense variant is expected to disrupt KCNQ3 protein function. This variant has not been reported in the literature in individuals affected with KCNQ3-related conditions. This variant is not present in population databases (gnomAD no frequency). This sequence change replaces proline, which is neutral and non-polar, with arginine, which is basic and polar, at codon 92 of the KCNQ3 protein (p.Pro92Arg).